The following is an entry in ClinVar:

ClinVar aggregate classification (germline): Uncertain significance. Review status: criteria provided, multiple submitters, no conflicts (2 of 4 stars). 2 submissions from 2 submitters: Uncertain significance (2). Last evaluated 2026-05-24.

Conditions:
Cardiovascular phenotype. Identifiers: MedGen CN230736.
Distal myopathy with posterior leg and anterior hand involvement. Also called: WILLIAMS DISTAL MYOPATHY. Identifiers: Orphanet 63273, MedGen C3279722, MONDO:0013550, OMIM 614065.
Hypertrophic cardiomyopathy 26. Also called: Cardiomyopathy, familial hypertrophic, 26. Identifiers: Orphanet 75249, MedGen C4310749, MONDO:0014883, OMIM 617047.
Myofibrillar myopathy 5. Also called: Filaminopathy (type); FILAMINOPATHY, AUTOSOMAL DOMINANT. Identifiers: Orphanet 171445, MedGen C1836050, MONDO:0012289, OMIM 609524.

Allele frequency attached by ClinVar (database versions not stated): gnomAD exomes below 0.00001.
gnomAD v4.1: 1 of 1,614,002 alleles (0.000062%); highest among the groups gnomAD compares: Admixed American, 0.0017%; no homozygotes.

Submissions (2):

Ambry Genetics
Classification: Uncertain significance for Cardiovascular phenotype. Last evaluated: 2026-05-24. Review status: criteria provided, single submitter. Criteria: Ambry Variant Classification Scheme 2023. Collection method: clinical testing. Allele origin: germline.
Comment: The p.P1899L variant (also known as c.5696C>T), located in coding exon 35 of the FLNC gene, results from a C to T substitution at nucleotide position 5696. The proline at codon 1899 is replaced by leucine, an amino acid with similar properties. This amino acid position is conserved. In addition, this alteration is predicted to be deleterious by in silico analysis. Based on the available evidence, the clinical significance of this variant remains unclear.

Labcorp Genetics (formerly Invitae), Labcorp
Classification: Uncertain significance for Distal myopathy with posterior leg and anterior hand involvement; Myofibrillar myopathy 5; Hypertrophic cardiomyopathy 26. Last evaluated: 2022-10-25. Review status: criteria provided, single submitter. Criteria: Invitae Variant Classification Sherloc (09022015). Collection method: clinical testing. Allele origin: germline.
Comment: This sequence change replaces proline, which is neutral and non-polar, with leucine, which is neutral and non-polar, at codon 1899 of the FLNC protein (p.Pro1899Leu). In summary, the available evidence is currently insufficient to determine the role of this variant in disease. Therefore, it has been classified as a Variant of Uncertain Significance. Algorithms developed to predict the effect of missense changes on protein structure and function (SIFT, PolyPhen-2, Align-GVGD) all suggest that this variant is likely to be disruptive. This variant has not been reported in the literature in individuals affected with FLNC-related conditions. This variant is present in population databases (no rsID available, gnomAD 0.003%).

NM_001458.5(FLNC):c.5696C>T (p.Pro1899Leu)

Genes: FLNC (filamin C; plus strand), FLNC-AS1 (FLNC antisense RNA 1; minus strand). Cytogenetic location: 7q32.1.
Variant type: single nucleotide variant.
Coding change: c.5696C>T on transcript NM_001458.5 (MANE Select); coding-DNA position 5696, C replaced by T.
Protein change: p.Pro1899Leu; replaces proline 1899 with leucine.
Molecular consequence: missense variant. On other transcripts: non-coding transcript variant (1).
Genome position (GRCh38, 1-based): chr7:128,851,482, C>T. VCF-style: chr7-128851482-C-T. GRCh37 (hg19) VCF-style: chr7-128491536-C-T.
Other names: c.5597C>T, p.Pro1866Leu (NM_001127487.2); short protein forms P1899L, P1866L.
Identifiers: ClinVar variation 1905409 (VCV001905409.6), dbSNP rs1220683493, ClinGen allele CA369208044.